The following is an entry in ClinVar:

ClinVar aggregate classification (germline): Uncertain significance (1 of 4 stars; one submission).

Conditions:
Nephronophthisis 3 (NPHP3). Also called: Adolescent nephronophthisis. Identifiers: Orphanet 655, MedGen C1858392, MONDO:0011456, OMIM 604387.

Allele frequency attached by ClinVar (database versions not stated): gnomAD exomes below 0.00001; ExAC 0.00001.
gnomAD v4.1: 2 of 1,607,192 alleles (0.00012%); highest among the groups gnomAD compares: East Asian, 0.0022%; no homozygotes.

Submission:

MVZ Medizinische Genetik Mainz
Classification: Uncertain significance for Nephronophthisis 3. Last evaluated: 2023-07-17. Review status: criteria provided, single submitter. Criteria: UK Practice Guidelines For Variant Classification V4 01 2020. Collection method: clinical testing. Allele origin: germline. Inheritance: Autosomal recessive inheritance. Affected: yes. Observed: 1 variant allele.
Comment: ACMG Criteria: PM2_SUP,PM3_SUP,PP3

NM_153240.5(NPHP3):c.3800T>C (p.Leu1267Ser)

Genes: NPHP3 (nephrocystin 3; minus strand), NPHP3-ACAD11 (NPHP3-ACAD11 readthrough (NMD candidate); minus strand). Cytogenetic location: 3q22.1.
Variant type: single nucleotide variant.
Coding change: c.3800T>C on transcript NM_153240.5 (MANE Select); coding-DNA position 3800, T replaced by C.
Protein change: p.Leu1267Ser; replaces leucine 1267 with serine.
Molecular consequence: missense variant. On other transcripts: non-coding transcript variant (1).
Genome position (GRCh38, 1-based): chr3:132,682,715, A>G on the plus strand (T>C on the coding strand, the complement: NPHP3 is on the minus strand). VCF-style: chr3-132682715-A-G. GRCh37 (hg19) VCF-style: chr3-132401559-A-G.
Other names: short protein forms L1267S.
Identifiers: ClinVar variation 3066093 (VCV003066093.1), dbSNP rs755459669, ClinGen allele CA2621644.